The following is an entry in ClinVar:

ClinVar aggregate classification (germline): Uncertain significance (1 of 4 stars; one submission).

Conditions:
Primary familial polycythemia due to EPO receptor mutation. Also called: POLYCYTHEMIA, PRIMARY FAMILIAL AND CONGENITAL; Primary Familial Congenital Polycythemia; Erythrocytosis, familial, 1; ERYTHROCYTOSIS, SOMATIC. Identifiers: Orphanet 90042, MedGen C4551637, MONDO:0007572, OMIM 133100.

Submission:

ARUP Laboratories, Molecular Genetics and Genomics, ARUP Laboratories
Classification: Uncertain significance for Primary familial polycythemia due to EPO receptor mutation. Last evaluated: 2025-04-17. Review status: criteria provided, single submitter. Criteria: ARUP Molecular Germline Variant Investigation Process 2024. Collection method: clinical testing. Allele origin: germline.
Comment: The EPOR c.1504C>T; p.Pro502Ser variant (rs2144693505), to our knowledge, is not reported in the medical literature or gene specific databases. This variant is also absent from the Genome Aggregation Database (v2.1.1), indicating it is not a common polymorphism. Computational analyses predict that this variant is neutral (REVEL: 0.058). However, given the lack of clinical and functional data, the significance of this variant is uncertain at this time.

NM_000121.4(EPOR):c.1504C>T (p.Pro502Ser)

Gene: EPOR (erythropoietin receptor; minus strand). Cytogenetic location: 19p13.2.
Variant type: single nucleotide variant.
Coding change: c.1504C>T on transcript NM_000121.4 (MANE Select); coding-DNA position 1504, C replaced by T.
Protein change: p.Pro502Ser; replaces proline 502 with serine.
Molecular consequence: missense variant. On other transcripts: non-coding transcript variant (1).
Genome position (GRCh38, 1-based): chr19:11,378,007, G>A on the plus strand (C>T on the coding strand, the complement: EPOR is on the minus strand). VCF-style: chr19-11378007-G-A. GRCh37 (hg19) VCF-style: chr19-11488683-G-A.
Other names: short protein forms P502S.
Identifiers: ClinVar variation 4685763 (VCV004685763.1).
Genomic context (GRCh38, chr19:11,378,007, plus strand): 5'-GTCATATTGGATCCCTGATCATCTGCAGCCTGGTGTCCTAAGAGCAAGCCACATAGCTGG[G>A]GGGCAGAGGCTCAGCGGCTGGGATAAGGCTGTTCTCATAAGGGTTGGAGTAGGGGCCATC-3'
Protein context (NP_000112.1, residues 492-508): SLIPAAEPLP[Pro502Ser]SYVACS